The following is an entry in ClinVar:

ClinVar aggregate classification (germline): Uncertain significance (0 of 4 stars; one submission).

Conditions:
THPO-related disorder. Also called: THPO-related condition.

Submission:

PreventionGenetics, part of Exact Sciences
Classification: Uncertain significance for THPO-related condition. Last evaluated: 2024-01-03. Review status: no assertion criteria provided. Collection method: clinical testing. Allele origin: germline.
Comment: The THPO c.4G>A variant is predicted to result in the amino acid substitution p.Asp2Asn. To our knowledge, this variant has not been reported in the literature or in a large population database, indicating this variant is rare. At this time, the clinical significance of this variant is uncertain due to the absence of conclusive functional and genetic evidence.

NM_001290003.1(THPO):c.4G>A (p.Asp2Asn)

Gene: THPO (thrombopoietin; minus strand). Cytogenetic location: 3q27.1.
Variant type: single nucleotide variant.
Coding change: c.4G>A on transcript NM_001290003.1; coding-DNA position 4, G replaced by A.
Protein change: p.Asp2Asn; replaces aspartic acid 2 with asparagine.
Molecular consequence: missense variant. On other transcripts: 5 prime UTR variant (4), intron variant (1).
Genome position (GRCh38, 1-based): chr3:184,378,346, C>T on the plus strand (G>A on the coding strand, the complement: THPO is on the minus strand). VCF-style: chr3-184378346-C-T. GRCh37 (hg19) VCF-style: chr3-184096134-C-T.
Other names: c.-417G>A (NM_001289998.1, NM_001290022.1, NM_001290026.1 and 1 more transcripts); c.-146+1245G>A (NM_001290028.1); short protein forms D2N.
Identifiers: ClinVar variation 3032898 (VCV003032898.2), dbSNP rs928510777, ClinGen allele CA88918151.